The following is an entry in ClinVar:

ClinVar aggregate classification (germline): Uncertain significance (1 of 4 stars; one submission).

Conditions:
STXBP2-related disorder. Also called: STXBP2-related condition.

Submission:

PreventionGenetics, part of Exact Sciences
Classification: Uncertain significance for STXBP2-related condition. Last evaluated: 2023-09-21. Review status: criteria provided, single submitter. Criteria: ACMG Guidelines, 2015. Collection method: clinical testing. Allele origin: germline.
Comment: The STXBP2 c.896T>A variant is predicted to result in the amino acid substitution p.Val299Glu. To our knowledge, this variant has not been reported in the literature or in a large population database, indicating this variant is rare. At this time, the clinical significance of this variant is uncertain due to the absence of conclusive functional and genetic evidence.

NM_006949.4(STXBP2):c.896T>A (p.Val299Glu)

Gene: STXBP2 (syntaxin binding protein 2; plus strand). Cytogenetic location: 19p13.2.
Variant type: single nucleotide variant.
Coding change: c.896T>A on transcript NM_006949.4 (MANE Select); coding-DNA position 896, T replaced by A.
Protein change: p.Val299Glu; replaces valine 299 with glutamic acid.
Molecular consequence: missense variant. On other transcripts: non-coding transcript variant (1).
Genome position (GRCh38, 1-based): chr19:7,642,530, T>A. VCF-style: chr19-7642530-T-A. GRCh37 (hg19) VCF-style: chr19-7707416-T-A.
Other names: c.887T>A, p.Val296Glu (NM_001127396.3); c.929T>A, p.Val310Glu (NM_001272034.2); c.800T>A, p.Val267Glu (NM_001414484.1); short protein forms V267E, V296E, V299E, V310E.
Identifiers: ClinVar variation 2631078 (VCV002631078.1), dbSNP rs2512698698, ClinGen allele CA403159875.